The following is an entry in ClinVar:

ClinVar aggregate classification (germline): Uncertain significance. Review status: criteria provided, multiple submitters, no conflicts (2 of 4 stars). 3 submissions from 3 submitters: Uncertain significance (3). Last evaluated 2025-10-01.

Conditions:
Hereditary cancer-predisposing syndrome. Also called: Neoplastic Syndromes, Hereditary; Hereditary Cancer Syndrome; Tumor predisposition; Hereditary neoplastic syndrome. Identifiers: Orphanet 140162, MedGen C0027672, MeSH D009386, MONDO:0015356.

Allele frequency attached by ClinVar (database versions not stated): gnomAD exomes below 0.00001 and 0.00001; ExAC 0.00001; gnomAD 0.00001; TOPMed 0.00001.

Submissions (3):

Labcorp Genetics (formerly Invitae), Labcorp
Classification: Uncertain significance. Last evaluated: 2025-10-01. Review status: criteria provided, single submitter. Criteria: Invitae Variant Classification Sherloc (09022015). Collection method: clinical testing. Allele origin: germline.
Comment: This variant, c.259_261del, results in the deletion of 1 amino acid(s) of the CTNNA1 protein (p.Lys87del), but otherwise preserves the integrity of the reading frame. This variant is present in population databases (rs768434342, gnomAD 0.007%). This variant has not been reported in the literature in individuals affected with CTNNA1-related conditions. ClinVar contains an entry for this variant (Variation ID: 651349). Experimental studies and prediction algorithms are not available or were not evaluated, and the functional significance of this variant is currently unknown. In summary, the available evidence is currently insufficient to determine the role of this variant in disease. Therefore, it has been classified as a Variant of Uncertain Significance.

Ambry Genetics
Classification: Uncertain significance for Hereditary cancer-predisposing syndrome. Last evaluated: 2023-11-13. Review status: criteria provided, single submitter. Criteria: Ambry Variant Classification Scheme 2023. Collection method: clinical testing. Allele origin: germline.
Comment: The c.259_261delAAG variant (also known as p.K87del) is located in coding exon 2 of the CTNNA1 gene. This variant results from an in-frame AAG deletion at nucleotide positions 259 to 261. This results in the in-frame deletion of a lysine at codon 87. This amino acid position is highly conserved in available vertebrate species. In addition, this alteration is predicted to be deleterious by in silico analysis (Choi Y et al. PLoS ONE. 2012; 7(10):e46688). The evidence for this gene-disease relationship is limited; therefore, the clinical significance of this alteration is unclear.

Blueprint Genetics
Classification: Uncertain significance. Last evaluated: 2019-04-05. Review status: criteria provided, single submitter. Criteria: ACMG Guidelines, 2015. Collection method: clinical testing. Allele origin: germline.

NM_001903.5(CTNNA1):c.259_261del (p.Lys87del)

Gene: CTNNA1 (catenin alpha 1; plus strand). Cytogenetic location: 5q31.2.
Variant type: Deletion.
Coding change: c.259_261del on transcript NM_001903.5 (MANE Select); coding-DNA positions 259 to 261, 3 bases deleted (AAG; older notation c.259_261delAAG).
Protein change: p.Lys87del; deletes lysine 87.
Molecular consequence: inframe deletion. On other transcripts: intron variant (2).
Genome position (GRCh38, 1-based): chr5:138,783,330-138,783,332, AAG deleted. VCF-style (leftmost placement, unchanged base first): chr5-138783329-CAAG-C. GRCh37 (hg19) VCF-style: chr5-138119018-CAAG-C.
Other names: c.259_261delAAG (NM_001903.2); c.259_261del, p.Lys87del (NM_001290307.3, NM_001323982.2, NM_001323983.1 and 3 more transcripts); c.-6+58_-6+60del (NM_001290310.3); c.-9+1301_-9+1303del (NM_001290309.3); short protein forms K87del.
Identifiers: ClinVar variation 651349 (VCV000651349.11), dbSNP rs768434342, ClinGen allele CA3431387.
Genomic context (GRCh38, chr5:138,783,329, plus strand): 5'-ACAAGCAACTGAGAATTTCTTGGAGAAGGGGGATAAAATTGCGAAGGAGAGCCAGTTTCT[CAAG>C]GAGGAGCTTGTGGCTGCTGTAGAAGATGTTCGAAAACAAGGTAGGTCATTACTGCTTTTT-3'